The following is an entry in ClinVar:

NM_001903.5(CTNNA1):c.319G>A (p.Ala107Thr)

Gene: CTNNA1 (catenin alpha 1; plus strand). Cytogenetic location: 5q31.2.
Variant type: single nucleotide variant.
Coding change: c.319G>A on transcript NM_001903.5 (MANE Select); coding-DNA position 319, G replaced by A.
Protein change: p.Ala107Thr; replaces alanine 107 with threonine.
Molecular consequence: missense variant. On other transcripts: intron variant (1).
Genome position (GRCh38, 1-based): chr5:138,810,055, G>A. VCF-style: chr5-138810055-G-A. GRCh37 (hg19) VCF-style: chr5-138145744-G-A.
Other names: c.319G>A, p.Ala107Thr (NM_001290307.3, NM_001323982.2, NM_001323983.1 and 3 more transcripts); c.10G>A, p.Ala4Thr (NM_001290309.3); c.-5-46G>A (NM_001290310.3); short protein forms A4T, A107T.
Identifiers: ClinVar variation 966860 (VCV000966860.9), dbSNP rs1758515080, ClinGen allele CA361122839.
Genomic context (GRCh38, chr5:138,810,055, plus strand): 5'-TGAGTTCATTCTTGCTGAGTTTGTTTTTCATTCTGTAAAACAGGTGATTTGATGAAGGCT[G>A]CTGCAGGAGAGTTCGCAGATGATCCCTGCTCTTCTGTGAAGCGAGGCAACATGGTTCGGG-3'
Protein context (NP_001894.2, residues 97-117): VRKQGDLMKA[Ala107Thr]AGEFADDPCS

ClinVar aggregate classification (germline): Uncertain significance (1 of 4 stars; one submission).

gnomAD v4.1: 1 of 1,607,522 alleles (0.000062%); no homozygotes.

Submission:

Labcorp Genetics (formerly Invitae), Labcorp
Classification: Uncertain significance. Last evaluated: 2024-02-06. Review status: criteria provided, single submitter. Criteria: Invitae Variant Classification Sherloc (09022015). Collection method: clinical testing. Allele origin: germline.
Comment: This sequence change replaces alanine, which is neutral and non-polar, with threonine, which is neutral and polar, at codon 107 of the CTNNA1 protein (p.Ala107Thr). This variant is not present in population databases (gnomAD no frequency). This variant has not been reported in the literature in individuals affected with CTNNA1-related conditions. ClinVar contains an entry for this variant (Variation ID: 966860). Advanced modeling of protein sequence and biophysical properties (such as structural, functional, and spatial information, amino acid conservation, physicochemical variation, residue mobility, and thermodynamic stability) performed at Invitae indicates that this missense variant is not expected to disrupt CTNNA1 protein function with a negative predictive value of 80%. In summary, the available evidence is currently insufficient to determine the role of this variant in disease. Therefore, it has been classified as a Variant of Uncertain Significance.